The following is an entry in ClinVar:

ClinVar aggregate classification (germline): Uncertain significance (1 of 4 stars; one submission).

Conditions:
Perlman syndrome (PRLMNS). Identifiers: Orphanet 2849, MedGen C0796113, MONDO:0009965, OMIM 267000.

Submission:

Labcorp Genetics (formerly Invitae), Labcorp
Classification: Uncertain significance for Perlman syndrome. Last evaluated: 2021-11-17. Review status: criteria provided, single submitter. Criteria: Invitae Variant Classification Sherloc (09022015). Collection method: clinical testing. Allele origin: germline.
Comment: In summary, the available evidence is currently insufficient to determine the role of this variant in disease. Therefore, it has been classified as a Variant of Uncertain Significance. Algorithms developed to predict the effect of sequence changes on RNA splicing suggest that this variant may create or strengthen a splice site. Algorithms developed to predict the effect of missense changes on protein structure and function are either unavailable or do not agree on the potential impact of this missense change (SIFT: "Deleterious"; PolyPhen-2: "Probably Damaging"; Align-GVGD: "Class C15"). This variant has not been reported in the literature in individuals affected with DIS3L2-related conditions. This variant is not present in population databases (gnomAD no frequency). This sequence change replaces histidine, which is basic and polar, with glutamine, which is neutral and polar, at codon 688 of the DIS3L2 protein (p.His688Gln).

NM_152383.5(DIS3L2):c.2064C>G (p.His688Gln)

Gene: DIS3L2 (DIS3 like 3'-5' exoribonuclease 2; plus strand). Cytogenetic location: 2q37.1.
Variant type: single nucleotide variant.
Coding change: c.2064C>G on transcript NM_152383.5 (MANE Select); coding-DNA position 2064, C replaced by G.
Protein change: p.His688Gln; replaces histidine 688 with glutamine.
Molecular consequence: missense variant. On other transcripts: non-coding transcript variant (2), intron variant (1).
Genome position (GRCh38, 1-based): chr2:232,333,893, C>G. VCF-style: chr2-232333893-C-G. GRCh37 (hg19) VCF-style: chr2-233198603-C-G.
Other names: c.1582-9452C>G (NM_001257281.2); short protein forms H688Q.
Identifiers: ClinVar variation 1450549 (VCV001450549.6), dbSNP rs1343991695, ClinGen allele CA350977402.